The following is an entry in ClinVar:

NM_001818.5(AKR1C4):c.19C>T (p.Arg7Cys)

Gene: AKR1C4 (aldo-keto reductase family 1 member C4; plus strand). Cytogenetic location: 10p15.1.
Variant type: single nucleotide variant.
Coding change: c.19C>T on transcript NM_001818.5 (MANE Select); coding-DNA position 19, C replaced by T.
Protein change: p.Arg7Cys; replaces arginine 7 with cysteine.
Molecular consequence: missense variant.
Genome position (GRCh38, 1-based): chr10:5,196,886, C>T. VCF-style: chr10-5196886-C-T. GRCh37 (hg19) VCF-style: chr10-5238849-C-T.
Other names: c.19C>T (NM_001818.3); short protein forms R7C.
Identifiers: ClinVar variation 1923868 (VCV001923868.6), dbSNP rs782102398, ClinGen allele CA375887587.

ClinVar aggregate classification (germline): Uncertain significance. Review status: criteria provided, single submitter (1 of 4 stars). 2 submissions from 2 submitters: Uncertain significance (1). 1 of the submissions does not count toward it. Last evaluated 2025-09-13.

Conditions:
AKR1C4-related disorder. Also called: AKR1C4-related condition.

Allele frequency attached by ClinVar (database versions not stated): gnomAD 0.00001; gnomAD exomes 0.00001.

Submissions (2):

Labcorp Genetics (formerly Invitae), Labcorp
Classification: Uncertain significance. Last evaluated: 2025-09-13. Review status: criteria provided, single submitter. Criteria: Invitae Variant Classification Sherloc (09022015). Collection method: clinical testing. Allele origin: germline.
Comment: This sequence change replaces arginine, which is basic and polar, with cysteine, which is neutral and slightly polar, at codon 7 of the AKR1C4 protein (p.Arg7Cys). This variant is present in population databases (no rsID available, gnomAD 0.003%). This variant has not been reported in the literature in individuals affected with AKR1C4-related conditions. ClinVar contains an entry for this variant (Variation ID: 1923868). An algorithm developed to predict the effect of missense changes on protein structure and function outputs the following: PolyPhen-2: "Benign". The cysteine amino acid residue is found in multiple mammalian species, which suggests that this missense change does not adversely affect protein function. In summary, the available evidence is currently insufficient to determine the role of this variant in disease. Therefore, it has been classified as a Variant of Uncertain Significance.

PreventionGenetics, part of Exact Sciences
Classification: Uncertain significance for AKR1C4-related condition. Last evaluated: 2024-03-25. Review status: no assertion criteria provided. Collection method: clinical testing. Allele origin: germline. Not counted in ClinVar's aggregate classification.
Comment: The AKR1C4 c.19C>T variant is predicted to result in the amino acid substitution p.Arg7Cys. To our knowledge, this variant has not been reported in the literature. This variant is reported in 0.0033% of alleles in individuals of South Asian descent in gnomAD. At this time, the clinical significance of this variant is uncertain due to the absence of conclusive functional and genetic evidence.